The following is an entry in ClinVar:

ClinVar aggregate classification (germline): Uncertain significance. Review status: criteria provided, multiple submitters, no conflicts (2 of 4 stars). 4 submissions from 3 submitters: Uncertain significance (4). Last evaluated 2024-09-11.

Conditions:
Regional enteritis. Also called: Enteritis, Granulomatous. Identifiers: MedGen C0678202, MeSH D003424.
Blau syndrome (BLAUS). Also called: ARTHROCUTANEOUVEAL GRANULOMATOSIS; GRANULOMATOSIS, FAMILIAL JUVENILE SYSTEMIC; GRANULOMATOSIS, FAMILIAL, BLAU TYPE; GRANULOMATOUS INFLAMMATORY ARTHRITIS, DERMATITIS, AND UVEITIS, FAMILIAL; JABS SYNDROME. Identifiers: Orphanet 90340, MedGen C5201146, MONDO:0008523, OMIM 186580.
Autoinflammatory syndrome. Identifiers: Orphanet 93665, MedGen C3890737, MONDO:0019751.
Inflammatory bowel disease 1 (IBD1). Also called: Inflammatory bowel disease 1, Crohn disease; INFLAMMATORY BOWEL DISEASE (CROHN DISEASE) 1. Identifiers: MedGen CN260071, MONDO:0009960, OMIM 266600.

Allele frequency attached by ClinVar (database versions not stated): gnomAD exomes below 0.00001.
gnomAD v4.1: 4 of 1,559,082 alleles (0.00026%); highest among the groups gnomAD compares: Middle Eastern, 0.017%; no homozygotes.

Submissions (4):

Labcorp Genetics (formerly Invitae), Labcorp
Classification: Uncertain significance for Regional enteritis; Blau syndrome. Last evaluated: 2024-09-11. Review status: criteria provided, single submitter. Criteria: Invitae Variant Classification Sherloc (09022015). Collection method: clinical testing. Allele origin: germline.
Comment: This sequence change replaces valine, which is neutral and non-polar, with isoleucine, which is neutral and non-polar, at codon 18 of the NOD2 protein (p.Val18Ile). This variant is not present in population databases (gnomAD no frequency). This variant has not been reported in the literature in individuals affected with NOD2-related conditions. ClinVar contains an entry for this variant (Variation ID: 319423). Invitae Evidence Modeling of protein sequence and biophysical properties (such as structural, functional, and spatial information, amino acid conservation, physicochemical variation, residue mobility, and thermodynamic stability) indicates that this missense variant is not expected to disrupt NOD2 protein function with a negative predictive value of 95%. In summary, the available evidence is currently insufficient to determine the role of this variant in disease. Therefore, it has been classified as a Variant of Uncertain Significance.

Genome Diagnostics Laboratory, The Hospital for Sick Children
Classification: Uncertain significance for Autoinflammatory syndrome. Last evaluated: 2020-04-01. Review status: criteria provided, single submitter. Criteria: ACMG Guidelines, 2015. Collection method: clinical testing. Allele origin: germline. Affected: yes.

Illumina Laboratory Services, Illumina
Classification: Uncertain significance for Blau syndrome. Last evaluated: 2018-01-12. Review status: criteria provided, single submitter. Criteria: ICSL Variant Classification Criteria 13 December 2019. Collection method: clinical testing. Allele origin: germline.

Illumina Laboratory Services, Illumina
Classification: Uncertain significance for Inflammatory bowel disease 1. Last evaluated: 2018-01-12. Review status: criteria provided, single submitter. Criteria: ICSL Variant Classification Criteria 13 December 2019. Collection method: clinical testing. Allele origin: germline.

NM_001370466.1(NOD2):c.-8-2193G>A

Gene: NOD2 (nucleotide binding oligomerization domain containing 2; plus strand). Cytogenetic location: 16q12.1.
Variant type: single nucleotide variant.
Coding change: c.-8-2193G>A on transcript NM_001370466.1 (MANE Select); 2193 bases into the intron before 8 bases upstream of the start codon, G replaced by A.
Molecular consequence: intron variant. On other transcripts: missense variant (1).
Genome position (GRCh38, 1-based): chr16:50,697,295, G>A. VCF-style: chr16-50697295-G-A. GRCh37 (hg19) VCF-style: chr16-50731206-G-A.
Other names: c.52G>A (LRG_177t1); c.52G>A, p.Val18Ile (NM_022162.3); short protein forms V18I.
Identifiers: ClinVar variation 319423 (VCV000319423.18), dbSNP rs886052043, ClinGen allele CA10643713.
Genomic context (GRCh38, chr16:50,697,295, plus strand): 5'-TGGGCTTTGATGGGGGAAGAGGGTGGTTCAGCCTCTCACGATGAGGAGGAAAGAGCAAGT[G>A]TCCTCCTCGGACATTCTCCGGGTAAGAGGAGCAGGCATTGTCCCGTCCCAGCTTGATCCT-3'